The following is an entry in ClinVar:

ClinVar aggregate classification (germline): Uncertain significance. Review status: criteria provided, multiple submitters, no conflicts (2 of 4 stars). 2 submissions from 2 submitters: Uncertain significance (2). Last evaluated 2024-08-01.

Conditions:
Inborn genetic diseases. Identifiers: MedGen C0950123, MeSH D030342.

gnomAD v4.1: 45 of 1,607,720 alleles (0.0028%); highest among the groups gnomAD compares: Non-Finnish European, 0.0036%; no homozygotes.

Submissions (2):

Women's Health and Genetics/Laboratory Corporation of America, LabCorp
Classification: Uncertain significance. Last evaluated: 2024-08-01. Review status: criteria provided, single submitter. Criteria: LabCorp Variant Classification Summary - May 2015. Collection method: clinical testing. Allele origin: germline.
Comment: Variant summary: IGFALS c.1205G>A (p.Arg402His) results in a non-conservative amino acid change in the encoded protein sequence. Four of five in-silico tools predict a benign effect of the variant on protein function. The variant allele was found at a frequency of 2.5e-05 in 243930 control chromosomes (gnomAD). The available data on variant occurrences in the general population are insufficient to allow any conclusion about variant significance. c.1205G>A has been reported in the literature in at least one individual affected with Congenital skeletal abnormalities (Spurn_2023). These report does not provide unequivocal conclusions about association of the variant with Short Stature Due To Primary Acid-Labile Subunit Deficiency. To our knowledge, no experimental evidence demonstrating an impact on protein function has been reported. The following publication have been ascertained in the context of this evaluation (PMID: 37806643). No submitters have cited clinical-significance assessments for this variant to ClinVar. Based on the evidence outlined above, the variant was classified as uncertain significance.

Ambry Genetics
Classification: Uncertain significance for Inborn genetic diseases. Last evaluated: 2024-06-10. Review status: criteria provided, single submitter. Criteria: Ambry Variant Classification Scheme 2023. Collection method: clinical testing. Allele origin: germline.

Literature cited by the submitters: PubMed 37806643 (cited by Women's Health and Genetics/Laboratory Corporation of America, LabCorp).

NM_004970.3(IGFALS):c.1205G>A (p.Arg402His)

Gene: IGFALS (insulin like growth factor binding protein acid labile subunit; minus strand). Cytogenetic location: 16p13.3.
Variant type: single nucleotide variant.
Coding change: c.1205G>A on transcript NM_004970.3 (MANE Select); coding-DNA position 1205, G replaced by A.
Protein change: p.Arg402His; replaces arginine 402 with histidine.
Molecular consequence: missense variant. On other transcripts: non-coding transcript variant (1).
Genome position (GRCh38, 1-based): chr16:1,791,213, C>T on the plus strand (G>A on the coding strand, the complement: IGFALS is on the minus strand). VCF-style: chr16-1791213-C-T. GRCh37 (hg19) VCF-style: chr16-1841214-C-T.
Other names: c.1319G>A, p.Arg440His (NM_001146006.2); short protein forms R402H, R440H.
Identifiers: ClinVar variation 3285522 (VCV003285522.2).